The following is an entry in ClinVar:

ClinVar aggregate classification (germline): Uncertain significance. Review status: criteria provided, multiple submitters, no conflicts (2 of 4 stars). 2 submissions from 2 submitters: Uncertain significance (2). Last evaluated 2025-02-07.

Conditions:
PEX6-related disorder. Also called: PEX6-related condition; PEX6-related disorders.
Peroxisome biogenesis disorder. Identifiers: Orphanet 79189, MedGen C1832200, MONDO:0019234. Disease mechanism: loss of function.

gnomAD v4.1: 1 of 1,613,728 alleles (0.000062%); highest among the groups gnomAD compares: Non-Finnish European, 0.000085%; no homozygotes.

Submissions (2):

PreventionGenetics, part of Exact Sciences
Classification: Uncertain significance for PEX6-related condition. Last evaluated: 2025-02-07. Review status: criteria provided, single submitter. Criteria: ACMG Guidelines, 2015. Collection method: clinical testing. Allele origin: germline.
Comment: The PEX6 c.2938T>A variant is predicted to result in the amino acid substitution p.Cys980Ser. To our knowledge, this variant has not been reported in the literature or in a large population database (gnomAD), indicating this variant is rare. At this time, the clinical significance of this variant is uncertain due to the absence of conclusive functional and genetic evidence.

Labcorp Genetics (formerly Invitae), Labcorp
Classification: Uncertain significance for Peroxisome biogenesis disorder. Last evaluated: 2021-08-31. Review status: criteria provided, single submitter. Criteria: Invitae Variant Classification Sherloc (09022015). Collection method: clinical testing. Allele origin: germline.
Comment: This sequence change replaces cysteine with serine at codon 980 of the PEX6 protein (p.Cys980Ser). The cysteine residue is moderately conserved and there is a moderate physicochemical difference between cysteine and serine. This variant is not present in population databases (ExAC no frequency). This variant has not been reported in the literature in individuals affected with PEX6-related conditions. Algorithms developed to predict the effect of missense changes on protein structure and function output the following: SIFT: "Tolerated"; PolyPhen-2: "Probably Damaging"; Align-GVGD: "Class C0". The serine amino acid residue is found in multiple mammalian species, which suggests that this missense change does not adversely affect protein function. In summary, the available evidence is currently insufficient to determine the role of this variant in disease. Therefore, it has been classified as a Variant of Uncertain Significance.

NM_000287.4(PEX6):c.2938T>A (p.Cys980Ser)

Gene: PEX6 (peroxisomal biogenesis factor 6; minus strand). Cytogenetic location: 6p21.1.
Variant type: single nucleotide variant.
Coding change: c.2938T>A on transcript NM_000287.4 (MANE Select); coding-DNA position 2938, T replaced by A.
Protein change: p.Cys980Ser; replaces cysteine 980 with serine.
Molecular consequence: missense variant. On other transcripts: non-coding transcript variant (1).
Genome position (GRCh38, 1-based): chr6:42,964,340, A>T on the plus strand (T>A on the coding strand, the complement: PEX6 is on the minus strand). VCF-style: chr6-42964340-A-T. GRCh37 (hg19) VCF-style: chr6-42932078-A-T.
Other names: c.2938T>A (NM_000287.3); c.2674T>A, p.Cys892Ser (NM_001316313.2); short protein forms C892S, C980S.
Identifiers: ClinVar variation 2151693 (VCV002151693.2), dbSNP rs1427401725, ClinGen allele CA364148949.